The following is an entry in ClinVar:

NM_019842.4(KCNQ5):c.1014C>A (p.Phe338Leu)

Gene: KCNQ5 (potassium voltage-gated channel subfamily Q member 5; plus strand). Cytogenetic location: 6q13.
Variant type: single nucleotide variant.
Coding change: c.1014C>A on transcript NM_019842.4 (MANE Select); coding-DNA position 1014, C replaced by A.
Protein change: p.Phe338Leu; replaces phenylalanine 338 with leucine.
Molecular consequence: missense variant.
Genome position (GRCh38, 1-based): chr6:73,105,352, C>A. VCF-style: chr6-73105352-C-A. GRCh37 (hg19) VCF-style: chr6-73815075-C-A.
Other names: c.1014C>A, p.Phe338Leu (NM_001160130.2, NM_001160132.2, NM_001160133.2 and 1 more transcripts); short protein forms F338L.
Identifiers: ClinVar variation 4622577 (VCV004622577.1).

ClinVar aggregate classification (germline): Uncertain significance (1 of 4 stars; one submission).

Conditions:
Inborn genetic diseases. Identifiers: MedGen C0950123, MeSH D030342.

Submission:

Ambry Genetics
Classification: Uncertain significance for Inborn genetic diseases. Last evaluated: 2025-11-06. Review status: criteria provided, single submitter. Criteria: Ambry Variant Classification Scheme 2023. Collection method: clinical testing. Allele origin: germline.
Comment: The c.1014C>A (p.F338L) alteration is located in exon 6 (coding exon 6) of the KCNQ5 gene. This alteration results from a C to A substitution at nucleotide position 1014, causing the phenylalanine (F) at amino acid position 338 to be replaced by a leucine (L). This variant was not reported in population-based cohorts in the Genome Aggregation Database (gnomAD). This amino acid position is highly conserved in available vertebrate species. This missense alteration is located in a region that has a low rate of benign missense variation (Lek, 2016; Firth, 2009). This alteration is predicted to be deleterious by in silico analysis. Based on insufficient or conflicting evidence, the clinical significance of this alteration remains unclear.